The following is an entry in ClinVar:

ClinVar aggregate classification (germline): Uncertain significance. Review status: criteria provided, multiple submitters, no conflicts (2 of 4 stars). 2 submissions from 2 submitters: Uncertain significance (2). Last evaluated 2025-03-21.

Conditions:
Inborn genetic diseases. Identifiers: MedGen C0950123, MeSH D030342.
Compton-North congenital myopathy (CMYO12). Identifiers: Orphanet 210163, MedGen C2675527, MONDO:0012929, OMIM 612540.

gnomAD v4.1: 42 of 1,613,794 alleles (0.0026%); highest among the groups gnomAD compares: African/African-American, 0.0053%; no homozygotes.

Submissions (2):

Ambry Genetics
Classification: Uncertain significance for Inborn genetic diseases. Last evaluated: 2025-03-21. Review status: criteria provided, single submitter. Criteria: Ambry Variant Classification Scheme 2023. Collection method: clinical testing. Allele origin: germline.

Labcorp Genetics (formerly Invitae), Labcorp
Classification: Uncertain significance for Compton-North congenital myopathy. Last evaluated: 2024-03-01. Review status: criteria provided, single submitter. Criteria: Invitae Variant Classification Sherloc (09022015). Collection method: clinical testing. Allele origin: germline.
Comment: This sequence change replaces arginine, which is basic and polar, with histidine, which is basic and polar, at codon 626 of the CNTN1 protein (p.Arg626His). This variant is present in population databases (rs370144813, gnomAD 0.02%). This variant has not been reported in the literature in individuals affected with CNTN1-related conditions. Advanced modeling of protein sequence and biophysical properties (such as structural, functional, and spatial information, amino acid conservation, physicochemical variation, residue mobility, and thermodynamic stability) performed at Invitae indicates that this missense variant is not expected to disrupt CNTN1 protein function with a negative predictive value of 95%. In summary, the available evidence is currently insufficient to determine the role of this variant in disease. Therefore, it has been classified as a Variant of Uncertain Significance.

NM_001843.4(CNTN1):c.1877G>A (p.Arg626His)

Gene: CNTN1 (contactin 1; plus strand). Cytogenetic location: 12q12.
Variant type: single nucleotide variant.
Coding change: c.1877G>A on transcript NM_001843.4 (MANE Select); coding-DNA position 1877, G replaced by A.
Protein change: p.Arg626His; replaces arginine 626 with histidine.
Molecular consequence: missense variant.
Genome position (GRCh38, 1-based): chr12:40,980,981, G>A. VCF-style: chr12-40980981-G-A. GRCh37 (hg19) VCF-style: chr12-41374783-G-A.
Other names: c.1844G>A, p.Arg615His (NM_175038.2); c.1877G>A (NM_001843.2); short protein forms R626H, R615H.
Identifiers: ClinVar variation 3651027 (VCV003651027.3).